The following is an entry in ClinVar:

ClinVar aggregate classification (germline): Conflicting classifications of pathogenicity. Review status: criteria provided, conflicting classifications (1 of 4 stars). 8 submissions from 8 submitters: Uncertain significance (7); Likely benign (1). Last evaluated 2026-03-05.

Conditions:
PLEC-related disorder. Also called: PLEC-related disorders; PLEC-related condition.
Epidermolysis bullosa simplex with nail dystrophy (EBS5D). Identifiers: MedGen C4225309, MONDO:0014661, OMIM 616487.
Epidermolysis bullosa simplex 5C, with pyloric atresia (EBS5C). Also called: PLEC-Related Epidermolysis Bullosa with Pyloric Atresia; Epidermolysis bullosa simplex with pyloric atresia; PLEC1-Related Epidermolysis Bullosa with Pyloric Atresia. Identifiers: Orphanet 158684, MedGen C2677349, MONDO:0012807, OMIM 612138.
Epidermolysis bullosa simplex 5B, with muscular dystrophy (EBS5B). Also called: EPIDERMOLYSIS BULLOSA SIMPLEX AND LIMB-GIRDLE MUSCULAR DYSTROPHY; Epidermolysis bullosa simplex with muscular dystrophy. Identifiers: Orphanet 257, MedGen C2931072, MONDO:0009181, OMIM 226670.
Autosomal recessive limb-girdle muscular dystrophy type 2Q (LGMDR17). Also called: MUSCULAR DYSTROPHY, LIMB-GIRDLE, AUTOSOMAL RECESSIVE 17. Identifiers: Orphanet 254361, MedGen C3150989, MONDO:0013390, OMIM 613723.
Epidermolysis bullosa simplex, Ogna type (EBS5A). Also called: Pidermolysis bullosa simplex 5A, Ogna type; EPIDERMOLYSIS BULLOSA SIMPLEX 5A, OGNA TYPE. Identifiers: Orphanet 79401, MedGen C0432317, MONDO:0007555, OMIM 131950.
Inborn genetic diseases. Identifiers: MedGen C0950123, MeSH D030342.

Allele frequency attached by ClinVar (database versions not stated): gnomAD 0.00032; 1000 Genomes Project 30x 0.00031; TOPMed 0.00034.
gnomAD v4.1: 176 of 1,584,396 alleles (0.011%); highest among the groups gnomAD compares: African/African-American, 0.075%; no homozygotes.

Submissions (8):

PreventionGenetics, part of Exact Sciences
Classification: Uncertain significance for PLEC-related condition. Last evaluated: 2026-03-05. Review status: criteria provided, single submitter. Criteria: ACMG Guidelines, 2015. Collection method: clinical testing. Allele origin: germline.
Comment: The PLEC c.6011C>T variant is predicted to result in the amino acid substitution p.Ala2004Val. To our knowledge, this variant has not been reported in the literature. This variant is reported in 0.15% of alleles in individuals of East Asian descent in gnomAD. Although we suspect that this variant may be benign, at this time, the clinical significance of this variant is uncertain due to the absence of conclusive functional and genetic evidence.

Labcorp Genetics (formerly Invitae), Labcorp
Classification: Uncertain significance for Autosomal recessive limb-girdle muscular dystrophy type 2Q; Epidermolysis bullosa simplex, Ogna type; Epidermolysis bullosa simplex with nail dystrophy; Epidermolysis bullosa simplex 5C, with pyloric atresia; Epidermolysis bullosa simplex 5B, with muscular dystrophy. Last evaluated: 2025-09-24. Review status: criteria provided, single submitter. Criteria: Invitae Variant Classification Sherloc (09022015). Collection method: clinical testing. Allele origin: germline.
Comment: This sequence change replaces alanine, which is neutral and non-polar, with valine, which is neutral and non-polar, at codon 2004 of the PLEC protein (p.Ala2004Val). This variant is present in population databases (rs398123401, gnomAD 0.1%). This variant has not been reported in the literature in individuals affected with PLEC-related conditions. ClinVar contains an entry for this variant (Variation ID: 93069). Experimental studies and prediction algorithms are not available or were not evaluated, and the functional significance of this variant is currently unknown. In summary, the available evidence is currently insufficient to determine the role of this variant in disease. Therefore, it has been classified as a Variant of Uncertain Significance.

Blueprint Genetics
Classification: Uncertain significance. Last evaluated: 2024-10-21. Review status: criteria provided, single submitter. Criteria: ACMG Guidelines, 2015. Collection method: clinical testing. Allele origin: germline.

Women's Health and Genetics/Laboratory Corporation of America, LabCorp
Classification: Uncertain significance. Last evaluated: 2024-07-12. Review status: criteria provided, single submitter. Criteria: LabCorp Variant Classification Summary - May 2015. Collection method: clinical testing. Allele origin: germline.
Comment: Variant summary: PLEC c.6011C>T (p.Ala2004Val) results in a non-conservative amino acid change in the encoded protein sequence. Four of five in-silico tools predict a benign effect of the variant on protein function. The variant allele was found at a frequency of 0.00021 in 207064 control chromosomes (gnomAD). This frequency is not significantly higher than estimated for a pathogenic variant in PLEC causing PLEC-Related Disorders, allowing no conclusion about variant significance. To our knowledge, no occurrence of c.6011C>T in individuals affected with PLEC-Related Disorders and no experimental evidence demonstrating its impact on protein function have been reported. ClinVar contains an entry for this variant (Variation ID: 93069). Based on the evidence outlined above, the variant was classified as uncertain significance.

Revvity Omics, Revvity
Classification: Uncertain significance. Last evaluated: 2024-01-23. Review status: criteria provided, single submitter. Criteria: ACMG Guidelines, 2015. Collection method: clinical testing. Allele origin: germline.

CeGaT Center for Human Genetics Tuebingen
Classification: Likely benign. Last evaluated: 2022-05-01. Review status: criteria provided, single submitter. Criteria: CeGaT Center For Human Genetics Tuebingen Variant Classification Criteria Version 2. Collection method: clinical testing. Allele origin: germline. Affected: yes. Observed: 1 variant allele.
Comment: PLEC: BP4

Ambry Genetics
Classification: Uncertain significance for Inborn genetic diseases. Last evaluated: 2021-08-18. Review status: criteria provided, single submitter. Criteria: Ambry Variant Classification Scheme 2023. Collection method: clinical testing. Allele origin: germline.

Eurofins Ntd Llc (ga)
Classification: Uncertain significance. Last evaluated: 2013-08-27. Review status: criteria provided, single submitter. Criteria: EGL Classification Definitions 2015. Collection method: clinical testing. Allele origin: germline. Observed: 1 variant allele, 1 heterozygote.

NM_201384.3(PLEC):c.5930C>T (p.Ala1977Val)

Gene: PLEC (plectin; minus strand). Cytogenetic location: 8q24.3.
Variant type: single nucleotide variant.
Coding change: c.5930C>T on transcript NM_201384.3 (MANE Select); coding-DNA position 5930, C replaced by T.
Protein change: p.Ala1977Val; replaces alanine 1977 with valine.
Molecular consequence: missense variant.
Genome position (GRCh38, 1-based): chr8:143,923,999, G>A on the plus strand (C>T on the coding strand, the complement: PLEC is on the minus strand). VCF-style: chr8-143923999-G-A. GRCh37 (hg19) VCF-style: chr8-144998167-G-A.
Other names: c.6011C>T, p.Ala2004Val (NM_000445.5); c.5888C>T, p.Ala1963Val (NM_201378.4); c.5864C>T, p.Ala1955Val (NM_201379.3); c.6341C>T, p.Ala2114Val (NM_201380.4); c.5834C>T, p.Ala1945Val (NM_201381.3); c.5930C>T, p.Ala1977Val (NM_201382.4); c.5942C>T, p.Ala1981Val (NM_201383.3); short protein forms A1945V, A1955V, A1963V, A1977V, A1981V, A2004V, A2114V.
Identifiers: ClinVar variation 93069 (VCV000093069.49), dbSNP rs398123401, ClinGen allele CA220937.